The following is an entry in ClinVar:

ClinVar aggregate classification (germline): Likely benign (0 of 4 stars; one submission).

Conditions:
ZMYM6-related disorder. Also called: ZMYM6-related condition.

Submission:

PreventionGenetics, part of Exact Sciences
Classification: Likely benign for ZMYM6-related condition. Last evaluated: 2019-03-08. Review status: no assertion criteria provided. Collection method: clinical testing. Allele origin: germline.
Comment: This variant is classified as likely benign based on ACMG/AMP sequence variant interpretation guidelines (Richards et al. 2015 PMID: 25741868, with internal and published modifications).

NM_007167.4(ZMYM6):c.93+7A>G

Gene: ZMYM6 (zinc finger MYM-type containing 6; minus strand). Cytogenetic location: 1p34.3.
Variant type: single nucleotide variant.
Coding change: c.93+7A>G on transcript NM_007167.4 (MANE Select); 7 bases into the intron after coding-DNA position 93, A replaced by G.
Molecular consequence: intron variant.
Genome position (GRCh38, 1-based): chr1:35,030,540, T>C on the plus strand (A>G on the coding strand, the complement: ZMYM6 is on the minus strand). VCF-style: chr1-35030540-T-C. GRCh37 (hg19) VCF-style: chr1-35496141-T-C.
Identifiers: ClinVar variation 3353001 (VCV003353001.1).